The following is an entry in ClinVar:

NM_003073.5(SMARCB1):c.437C>G (p.Pro146Arg)

Gene: SMARCB1 (SWI/SNF related, matrix associated, actin dependent regulator of chromatin, subfamily b, member 1; plus strand). Cytogenetic location: 22q11.23.
Variant type: single nucleotide variant.
Coding change: c.437C>G on transcript NM_003073.5 (MANE Select); coding-DNA position 437, C replaced by G.
Protein change: p.Pro146Arg; replaces proline 146 with arginine.
Molecular consequence: missense variant.
Genome position (GRCh38, 1-based): chr22:23,801,018, C>G. VCF-style: chr22-23801018-C-G. GRCh37 (hg19) VCF-style: chr22-24143205-C-G.
Other names: c.410C>G, p.Pro137Arg (NM_001007468.3, NM_001317946.2); c.437C>G, p.Pro146Arg (NM_001362877.2); short protein forms P137R, P146R.
Identifiers: ClinVar variation 1691051 (VCV001691051.2), dbSNP rs2145978507, ClinGen allele CA410934454.
Genomic context (GRCh38, chr22:23,801,018, plus strand): 5'-AGAGGAACAGCCAGTGGGTACCCACCCTGCCCAACAGCTCCCACCACTTAGATGCCGTGC[C>G]ATGCTCCACAACCATCAACAGGAACCGCATGGGCCGAGACAAGAAGAGAACCTTCCCCCT-3'
Protein context (NP_003064.2, residues 136-156): PNSSHHLDAV[Pro146Arg]CSTTINRNRM

ClinVar aggregate classification (germline): Uncertain significance (1 of 4 stars; one submission).

Submission:

Laboratorio de Genetica e Diagnostico Molecular, Hospital Israelita Albert Einstein
Classification: Uncertain significance. Last evaluated: 2021-09-06. Review status: criteria provided, single submitter. Criteria: ACMG Guidelines, 2015. Collection method: clinical testing. Allele origin: germline. Affected: yes.
Comment: ACMG classification criteria: PM2, PP3